The following is an entry in ClinVar:

ClinVar aggregate classification (germline): Uncertain significance (1 of 4 stars; one submission).

Conditions:
PLXNA2-related disorder. Also called: PLXNA2-related condition.

Submission:

PreventionGenetics, part of Exact Sciences
Classification: Uncertain significance for PLXNA2-related condition. Last evaluated: 2025-07-24. Review status: criteria provided, single submitter. Criteria: ACMG Guidelines, 2015. Collection method: clinical testing. Allele origin: germline.
Comment: The PLXNA2 c.5582G>C variant is predicted to result in the amino acid substitution p.Ser1861Thr. To our knowledge, this variant has not been reported in the literature or in a large population database (gnomAD), indicating this variant is rare. At this time, the clinical significance of this variant is uncertain due to the absence of conclusive functional and genetic evidence.

NM_025179.4(PLXNA2):c.5582G>C (p.Ser1861Thr)

Gene: PLXNA2 (plexin A2; minus strand). Cytogenetic location: 1q32.2.
Variant type: single nucleotide variant.
Coding change: c.5582G>C on transcript NM_025179.4 (MANE Select); coding-DNA position 5582, G replaced by C.
Protein change: p.Ser1861Thr; replaces serine 1861 with threonine.
Molecular consequence: missense variant.
Genome position (GRCh38, 1-based): chr1:208,028,016, C>G on the plus strand (G>C on the coding strand, the complement: PLXNA2 is on the minus strand). VCF-style: chr1-208028016-C-G. GRCh37 (hg19) VCF-style: chr1-208201361-C-G.
Other names: short protein forms S1861T.
Identifiers: ClinVar variation 5001629 (VCV005001629.1).
Genomic context (GRCh38, chr1:208,028,016, plus strand): 5'-GGCTTCCTGCTCCTTGCCTGTTGGTTTCTGTCCCTGCTGGGGCCCTGTCTCACCTCCTCA[C>G]TATACTTGCTGACATAGGAGTAGATCTCATTGAGGGCACTCAGCATGTTGAACTCCACGG-3'
Protein context (NP_079455.3, residues 1851-1871): NEIYSYVSKY[Ser1861Thr]EELIGALEQD